The following is an entry in ClinVar:

ClinVar aggregate classification (germline): Likely benign (0 of 4 stars; one submission).

Conditions:
CEP290-related disorder. Also called: CEP290-related condition; CEP290-related disorders. Identifiers: MedGen CN239314.

Submission:

PreventionGenetics, part of Exact Sciences
Classification: Likely benign for CEP290-related condition. Last evaluated: 2024-09-18. Review status: no assertion criteria provided. Collection method: clinical testing. Allele origin: germline.
Comment: This variant is classified as likely benign based on ACMG/AMP sequence variant interpretation guidelines (Richards et al. 2015 PMID: 25741868, with internal and published modifications).

NM_025114.4(CEP290):c.1523-411G>A

Gene: CEP290 (centrosomal protein 290; minus strand). Cytogenetic location: 12q21.32.
Variant type: single nucleotide variant.
Coding change: c.1523-411G>A on transcript NM_025114.4 (MANE Select); 411 bases into the intron before coding-DNA position 1523, G replaced by A.
Molecular consequence: intron variant.
Genome position (GRCh38, 1-based): chr12:88,119,154, C>T on the plus strand (G>A on the coding strand, the complement: CEP290 is on the minus strand). VCF-style: chr12-88119154-C-T. GRCh37 (hg19) VCF-style: chr12-88512931-C-T.
Identifiers: ClinVar variation 3352175 (VCV003352175.1).